The following is an entry in ClinVar:

NM_004333.6(BRAF):c.1391G>T (p.Gly464Val)

Gene: BRAF (B-Raf proto-oncogene, serine/threonine kinase; minus strand). Cytogenetic location: 7q34.
Variant type: single nucleotide variant.
Coding change: c.1391G>T on transcript NM_004333.6 (MANE Select); coding-DNA position 1391, G replaced by T.
Protein change: p.Gly464Val; replaces glycine 464 with valine.
Molecular consequence: missense variant.
Genome position (GRCh38, 1-based): chr7:140,781,617, C>A on the plus strand (G>T on the coding strand, the complement: BRAF is on the minus strand). VCF-style: chr7-140781617-C-A. GRCh37 (hg19) VCF-style: chr7-140481417-C-A.
Other names: c.1391G>T, p.Gly464Val (NM_001354609.2, NM_001378468.1, NM_001378474.1); c.1511G>T, p.Gly504Val (NM_001374244.1, NM_001374258.1); c.1400G>T, p.Gly467Val (NM_001378467.1); c.1325G>T, p.Gly442Val (NM_001378469.1); c.1289G>T, p.Gly430Val (NM_001378470.1); c.1280G>T, p.Gly427Val (NM_001378471.1); c.1235G>T, p.Gly412Val (NM_001378472.1, NM_001378473.1); c.1127G>T, p.Gly376Val (NM_001378475.1); short protein forms G464V, G427V, G376V, G442V, G412V, G430V, G467V, G504V.
Identifiers: ClinVar variation 40364 (VCV000040364.25), dbSNP rs121913348, ClinGen allele CA135076.

ClinVar aggregate classification (germline): Pathogenic/Likely pathogenic. Review status: criteria provided, multiple submitters, no conflicts (2 of 4 stars). 7 submissions from 7 submitters: Pathogenic (5); Likely pathogenic (2). Last evaluated 2023-07-16.
ClinVar aggregate classification (somatic clinical impact): Tier II - Potential (1 of 4 stars; one submission).

Conditions:
Noonan syndrome and Noonan-related syndrome. Identifiers: Orphanet 98733, MedGen C5681679, MONDO:0020297.
RASopathy. Also called: Noonan spectrum disorder; rasopathies. Identifiers: Orphanet 536391, MedGen C5555857, MONDO:0021060.
Non-small cell lung carcinoma (NSCLC). Also called: Non-small cell lung cancer. Identifiers: MedGen C0007131, MeSH D002289, MONDO:0005233, HP:0030358. Disease mechanism: Other.
Cardiofaciocutaneous syndrome 1 (CFC1). Also called: BRAF-Related Cardiofaciocutaneous Syndrome. Identifiers: Orphanet 1340, MedGen CN029449, MONDO:0007265, OMIM 115150. Disease mechanism: gain of function.
Ovarian Sertoli-Leydig cell tumor. Also called: Sertoli-leydig cell tumors; Arrhenoblastoma; Androblastoma of ovary; Sertoli-leydig cell tumor of the ovary; Arrhenoblastoma of ovary. Identifiers: MedGen C0003810, MONDO:0036595.

Submissions (8):

Institute for Genomic Medicine (IGM) Clinical Laboratory, Nationwide Children's Hospital
Classification: Tier II - Potential for Ovarian Sertoli-Leydig cell tumor. Assertion type: diagnostic. Clinical significance: supports diagnosis. Last evaluated: 2025-10-20. Review status: criteria provided, single submitter. Criteria: AMP/ASCO/CAP Guidelines, 2017. Collection method: clinical testing. Allele origin: somatic. Affected: yes.
Comment: Variant has Tier II (potential) clinical significance as a diagnostic inclusion criterion in ovarian Sertoli-Leydig cell tumor, based on the following evidence: 1) Documented in one or more cancer databases (e.g., St. Jude Pecan, COSMIC, CIViC, OncoKB). 2) Information in the literature supports potential biologic effect of variant (PMIDs: 12068308, 15150094, 23680146). 3) Assists in diagnosis alone or along with other biomarkers based on small studies or few case reports (Evidence Level D; PMIDs: 23833300, 15150094, 17314276).

Victorian Clinical Genetics Services, Murdoch Childrens Research Institute
Classification: Pathogenic for Cardiofaciocutaneous syndrome 1. Last evaluated: 2023-07-16. Review status: criteria provided, single submitter. Criteria: ACMG Guidelines, 2015. Collection method: clinical testing. Allele origin: germline. Inheritance: Autosomal dominant inheritance. Affected: yes.
Comment: Based on the classification scheme VCGS_Germline_v1.3.4, this variant is classified as Pathogenic. Following criteria are met: 0101 - Gain of function is a known mechanism of disease in this gene and is associated with cardiofaciocutaneous syndrome (MIM#115150), LEOPARD syndrome type 3 (MIM#613707), and Noonan syndrome (MIM#613706). (I) 0107 - This gene is associated with autosomal dominant disease. (I) 0200 - Variant is predicted to result in a missense amino acid change from glycine to valine. (I) 0251 - This variant is heterozygous. (I) 0301 - Variant is absent from gnomAD (both v2 and v3). (SP) 0501 - Missense variant consistently predicted to be damaging by multiple in silico tools or highly conserved with a major amino acid change. (SP) 0601 - Variant is located in the well-established functional protein tyrosine and serine/threonine kinase domain (DECIPHER, PMID: 15488754 ). (SP) 0702 - Other variants comparable to the one identified in this case, p.(Gly464Arg), p.(Gly464Glu) and p.(Gly464Ala), have strong previous evidence for pathogenicity (Clinvar). (SP) 0801 - This variant has strong previous evidence of pathogenicity in unrelated individuals. This variant has been reported in individuals with cardiofaciocutaneous syndrome (PMID 18039235, PMID: 18413255, Clinvar). (SP) 0905 - No published segregation evidence has been identified for this variant. (I) 1002 - This variant has moderate functional evidence supporting abnormal protein function. Expression of this variant in a zebrafish model showed developmental defects (PMID: 19376813). (SP) 1208 - Inheritance information for this variant is not currently available in this individual. (I) Legend: (SP) - Supporting pathogenic, (I) - Information, (SB) - Supporting benign

3billion
Classification: Pathogenic for Cardiofaciocutaneous syndrome 1. Last evaluated: 2022-05-22. Review status: criteria provided, single submitter. Criteria: ACMG Guidelines, 2015. Collection method: clinical testing. Allele origin: germline. Affected: yes. Observed: 1 heterozygote.
Comment: The variant is not observed in the gnomAD v2.1.1 dataset. The variant is located in a mutational hot spot and/or well-established functional domain in which established pathogenic variants have been reported. Missense changes are a common disease-causing mechanism. In silico tool predictions suggest damaging effect of the variant on gene or gene product (REVEL: 0.94; 3Cnet: 3CNET). Same nucleotide change resulting in same amino acid change has been previously reported as pathogenic/likely pathogenic with strong evidence (ClinVar ID: VCV000040364). Different missense changes at the same codon (p.Gly504Arg, p.Gly504Glu) have been reported as pathogenic/likely pathogenic with strong evidence (ClinVar ID: VCV000013964, VCV000279992, VCV000372572). Therefore, this variant is classified as pathogenic according to the recommendation of ACMG/AMP guideline.

Labcorp Genetics (formerly Invitae), Labcorp
Classification: Pathogenic for RASopathy. Last evaluated: 2021-10-27. Review status: criteria provided, single submitter. Criteria: Invitae Variant Classification Sherloc (09022015). Collection method: clinical testing. Allele origin: germline.
Comment: This variant is not present in population databases (gnomAD no frequency). This sequence change replaces glycine, a(n) neutral and non-polar amino acid, with valine, a(n) neutral and non-polar amino acid, at codon 464 of the BRAF protein (p.Gly464Val). This missense change has been observed in individuals with cardio‐facio‐cutaneous syndrome (PMID: 2102266, 18039235, 18413255). For these reasons, this variant has been classified as Pathogenic. Experimental studies have shown that this missense change affects BRAF function (PMID: 19376813, 23680146, 23907581, 25155755). Advanced modeling of protein sequence and biophysical properties (such as structural, functional, and spatial information, amino acid conservation, physicochemical variation, residue mobility, and thermodynamic stability) performed at Invitae indicates that this missense variant is expected to disrupt BRAF protein function. ClinVar contains an entry for this variant (Variation ID: 40364).

ARUP Laboratories, Molecular Genetics and Genomics, ARUP Laboratories
Classification: Likely pathogenic. Last evaluated: 2020-02-28. Review status: criteria provided, single submitter. Criteria: ARUP Molecular Germline Variant Investigation Process. Collection method: clinical testing. Allele origin: germline.
Comment: The BRAF c.1391G>T; p.Gly464Val variant (rs121913348) is reported in the literature in individuals affected with cardio-facio-cutaneous syndrome (Rodriguez-Viciana 2008, Yoon 2007). This variant is reported in ClinVar (Variation ID: 40364), but is absent from general population databases (Exome Variant Server, Genome Aggregation Database), indicating it is not a common polymorphism. The glycine at codon 464 is highly conserved, and computational analyses (SIFT, PolyPhen-2) predict that this variant is deleterious. Functional analyses of the variant protein show increased kinase activation consistent with a gain of function mechanism (Hollestelle 2007, Wan 2004). Based on available information, this variant is considered to be likely pathogenic. References: Hollestelle A et al. Phosphatidylinositol-3-OH kinase or RAS pathway mutations in human breast cancer cell lines. Mol Cancer Res. 2007 Feb;5(2):195-201. Rodriguez-Viciana P and Rauen KA. Biochemical characterization of novel germline BRAF and MEK mutations in cardio-facio-cutaneous syndrome. Methods Enzymol. 2008;438:277-89. Wan PT et al. Mechanism of activation of the RAF-ERK signaling pathway by oncogenic mutations of B-RAF. Cell. 2004 Mar 19;116(6):855-67. Yoon G et al. Neurological complications of cardio-facio-cutaneous syndrome. Dev Med Child Neurol. 2007 Dec;49(12):894-9.

Genome Diagnostics Laboratory, The Hospital for Sick Children
Classification: Likely pathogenic for Noonan syndrome and Noonan-related syndrome. Last evaluated: 2018-04-01. Review status: criteria provided, single submitter. Criteria: ACMG Guidelines, 2015. Collection method: clinical testing. Allele origin: germline. Affected: yes.

Laboratory for Molecular Medicine, Mass General Brigham Personalized Medicine
Classification: Pathogenic for Non-small cell lung carcinoma. Last evaluated: 2011-05-03. Review status: criteria provided, single submitter. Criteria: LMM Criteria. Collection method: clinical testing. Allele origin: somatic. Observed: 3 variant alleles.
Comment: Somatic BRAF variants have been identified in up to 3% of cases of lung adenocar cinoma (Davies 2002).

Juno Genomics, Hangzhou Juno Genomics, Inc
Classification: Pathogenic for Cardiofaciocutaneous syndrome 1. Review status: criteria provided, single submitter. Criteria: ACMG Guidelines, 2015. Collection method: clinical testing. Allele origin: germline. Affected: yes.
Comment: Absent from controls (or at extremely low frequency if recessive) in Genome Aggregation Database.;Missense variant in a gene that has a low rate of benign missense variation.;Located in a mutational hot spot and/or critical and well-established functional domain without benign variation.;The prevalence of the variant in affected individuals is significantly increased compared to the prevalence in controls.;De novo (both maternity and paternity confirmed) in a patient with the disease and no family history.;Well-established in vitro or in vivo functional studies supportive of a damaging effect on the gene or gene product.

Literature cited by the submitters: PubMed 12068308 (cited by Institute for Genomic Medicine (IGM) Clinical Laboratory, Nationwide Children's Hospital and Laboratory for Molecular Medicine, Mass General Brigham Personalized Medicine); PubMed 15150094 (cited by Institute for Genomic Medicine (IGM) Clinical Laboratory, Nationwide Children's Hospital); PubMed 23680146 (cited by Institute for Genomic Medicine (IGM) Clinical Laboratory, Nationwide Children's Hospital and Labcorp Genetics (formerly Invitae), Labcorp); PubMed 23833300 (cited by Institute for Genomic Medicine (IGM) Clinical Laboratory, Nationwide Children's Hospital); PubMed 17314276 (cited by Institute for Genomic Medicine (IGM) Clinical Laboratory, Nationwide Children's Hospital and Laboratory for Molecular Medicine, Mass General Brigham Personalized Medicine); PubMed 15488754 (cited by Victorian Clinical Genetics Services, Murdoch Childrens Research Institute); PubMed 18039235 (cited by Victorian Clinical Genetics Services, Murdoch Childrens Research Institute and Labcorp Genetics (formerly Invitae), Labcorp); PubMed 18413255 (cited by Victorian Clinical Genetics Services, Murdoch Childrens Research Institute and Labcorp Genetics (formerly Invitae), Labcorp); PubMed 19376813 (cited by Victorian Clinical Genetics Services, Murdoch Childrens Research Institute and Labcorp Genetics (formerly Invitae), Labcorp); PubMed 2102266 (cited by Labcorp Genetics (formerly Invitae), Labcorp); PubMed 23907581 (cited by Labcorp Genetics (formerly Invitae), Labcorp); PubMed 25155755 (cited by Labcorp Genetics (formerly Invitae), Labcorp); PubMed 19593635 (cited by Laboratory for Molecular Medicine, Mass General Brigham Personalized Medicine).